The following is an entry in ClinVar:

NM_001370704.1(APOLTP):c.7047G>A (p.Lys2349=)

Gene: APOLTP (apolipoprotein lipid transfer particle homolog; minus strand). Cytogenetic location: 16p13.13.
Variant type: single nucleotide variant.
Coding change: c.7047G>A on transcript NM_001370704.1 (MANE Select); coding-DNA position 7047, G replaced by A.
Protein change: p.Lys2349=; no amino-acid change (lysine 2349 retained).
Molecular consequence: synonymous variant.
Genome position (GRCh38, 1-based): chr16:11,407,245, C>T on the plus strand (G>A on the coding strand, the complement: APOLTP is on the minus strand). VCF-style: chr16-11407245-C-T. GRCh37 (hg19) VCF-style: chr16-11501101-C-T.
Other names: c.6885G>A, p.Lys2295= (NM_001395505.1).
Identifiers: ClinVar variation 2646218 (VCV002646218.24), dbSNP rs1232165169, ClinGen allele CA493615049.

ClinVar aggregate classification (germline): Likely benign (1 of 4 stars; one submission).

Allele frequency attached by ClinVar (database versions not stated): gnomAD exomes below 0.00001; TOPMed 0.00001.
gnomAD v4.1: 1 of 399,050 alleles (0.00025%); highest among the groups gnomAD compares: Non-Finnish European, 0.00044%; no homozygotes.

Submission:

CeGaT Center for Human Genetics Tuebingen
Classification: Likely benign. Last evaluated: 2022-05-01. Review status: criteria provided, single submitter. Criteria: CeGaT Center For Human Genetics Tuebingen Variant Classification Criteria Version 2. Collection method: clinical testing. Allele origin: germline. Affected: yes. Observed: 1 variant allele.
Comment: LOC400499: PM2:Supporting, BP4, BP7